The following is an entry in ClinVar:

NM_001429.4(EP300):c.2494C>A (p.Pro832Thr)

Gene: EP300 (E1A binding protein p300; plus strand). Cytogenetic location: 22q13.2.
Variant type: single nucleotide variant.
Coding change: c.2494C>A on transcript NM_001429.4 (MANE Select); coding-DNA position 2494, C replaced by A.
Protein change: p.Pro832Thr; replaces proline 832 with threonine.
Molecular consequence: missense variant.
Genome position (GRCh38, 1-based): chr22:41,149,875, C>A. VCF-style: chr22-41149875-C-A. GRCh37 (hg19) VCF-style: chr22-41545879-C-A.
Other names: c.2416C>A, p.Pro806Thr (NM_001362843.2); short protein forms P806T, P832T.
Identifiers: ClinVar variation 3391782 (VCV003391782.1).
Genomic context (GRCh38, chr22:41,149,875, plus strand): 5'-TCTCAGGGGAGCCACATTCACTGTCCCCAGCTTCCTCAACCAGCTCTTCATCAGAATTCA[C>A]CCTCGCCTGTACCTAGTCGTACCCCCACCCCTCACCATACTCCCCCAAGCATAGGGGCTC-3'
Protein context (NP_001420.2, residues 822-842): LPQPALHQNS[Pro832Thr]SPVPSRTPTP

ClinVar aggregate classification (germline): Uncertain significance (1 of 4 stars; one submission).

gnomAD v4.1: 1 of 1,614,102 alleles (0.000062%); no homozygotes.

Submission:

GeneDx
Classification: Uncertain significance. Last evaluated: 2024-06-20. Review status: criteria provided, single submitter. Criteria: GeneDx Variant Classification Process June 2021. Collection method: clinical testing. Allele origin: germline. Affected: yes.
Comment: Not observed at significant frequency in large population cohorts (gnomAD); In silico analysis supports that this missense variant has a deleterious effect on protein structure/function; Has not been previously published as pathogenic or benign to our knowledge